The following is an entry in ClinVar:

NC_000014.8:g.(?_74707865)_(74707989_?)del

Gene: VSX2 (visual system homeobox 2; plus strand). Cytogenetic location: 14q24.3.
Variant type: Deletion.
Identifiers: ClinVar variation 3244001 (VCV003244001.1).

ClinVar aggregate classification (germline): Pathogenic (1 of 4 stars; one submission).

Conditions:
Isolated microphthalmia 2. Identifiers: Orphanet 2542, MedGen C1864720, MONDO:0012409, OMIM 610093.

Submission:

Labcorp Genetics (formerly Invitae), Labcorp
Classification: Pathogenic for Isolated microphthalmia 2. Last evaluated: 2023-06-14. Review status: criteria provided, single submitter. Criteria: Invitae Variant Classification Sherloc (09022015). Collection method: clinical testing. Allele origin: unknown.
Comment: For these reasons, this variant has been classified as Pathogenic. This variant has not been reported in the literature in individuals affected with VSX2-related conditions. This variant is a gross deletion of the genomic region encompassing exon(s) 2 of the VSX2 gene. This deletion is out-of-frame, and is expected to create a premature termination codon and result in an absent or disrupted protein product. Loss-of-function variants in VSX2 are known to be pathogenic (PMID: 20414678).

Literature cited by the submitters: PubMed 20414678.